The following is an entry in ClinVar:

NM_001430.5(EPAS1):c.1824C>G (p.Phe608Leu)

Gene: EPAS1 (endothelial PAS domain protein 1; plus strand). Cytogenetic location: 2p21.
Variant type: single nucleotide variant.
Coding change: c.1824C>G on transcript NM_001430.5 (MANE Select); coding-DNA position 1824, C replaced by G.
Protein change: p.Phe608Leu; replaces phenylalanine 608 with leucine.
Molecular consequence: missense variant.
Genome position (GRCh38, 1-based): chr2:46,380,496, C>G. VCF-style: chr2-46380496-C-G. GRCh37 (hg19) VCF-style: chr2-46607635-C-G.
Other names: short protein forms F608L.
Identifiers: ClinVar variation 336267 (VCV000336267.11), dbSNP rs201500220, ClinGen allele CA1645123.

ClinVar aggregate classification (germline): Conflicting classifications of pathogenicity. Review status: criteria provided, conflicting classifications (1 of 4 stars). 3 submissions from 3 submitters: Uncertain significance (2); Benign (1). Last evaluated 2025-12-22.

Conditions:
Inborn genetic diseases. Identifiers: MedGen C0950123, MeSH D030342.
Erythrocytosis, familial, 4 (ECYT4). Identifiers: Orphanet 247511, MedGen C2673187, MONDO:0012729, OMIM 611783.

Allele frequency attached by ClinVar (database versions not stated): gnomAD exomes 0.00005 and 0.00009; TOPMed 0.00006; ExAC 0.00007; ESP Exome Variant Server 0.00015.
gnomAD v4.1: 84 of 1,614,090 alleles (0.0052%); highest among the groups gnomAD compares: Middle Eastern, 0.066%; no homozygotes.

Submissions (3):

Labcorp Genetics (formerly Invitae), Labcorp
Classification: Uncertain significance. Last evaluated: 2025-12-22. Review status: criteria provided, single submitter. Criteria: Invitae Variant Classification Sherloc (09022015). Collection method: clinical testing. Allele origin: germline.
Comment: This sequence change replaces phenylalanine, which is neutral and non-polar, with leucine, which is neutral and non-polar, at codon 608 of the EPAS1 protein (p.Phe608Leu). This variant is present in population databases (rs201500220, gnomAD 0.03%). This variant has not been reported in the literature in individuals affected with EPAS1-related conditions. ClinVar contains an entry for this variant (Variation ID: 336267). An algorithm developed to predict the effect of missense changes on protein structure and function (PolyPhen-2) suggests that this variant is likely to be tolerated. In summary, the available evidence is currently insufficient to determine the role of this variant in disease. Therefore, it has been classified as a Variant of Uncertain Significance.

Ambry Genetics
Classification: Uncertain significance for Inborn genetic diseases. Last evaluated: 2025-07-01. Review status: criteria provided, single submitter. Criteria: Ambry Variant Classification Scheme 2023. Collection method: clinical testing. Allele origin: germline.

Illumina Laboratory Services, Illumina
Classification: Benign for Erythrocytosis, familial, 4. Last evaluated: 2018-01-12. Review status: criteria provided, single submitter. Criteria: ICSL Variant Classification Criteria 13 December 2019. Collection method: clinical testing. Allele origin: germline.
Comment: This variant was observed in the ICSL laboratory as part of a predisposition screen in an ostensibly healthy population. It had not been previously curated by ICSL or reported in the Human Gene Mutation Database (HGMD: prior to June 1st, 2018), and was therefore a candidate for classification through an automated scoring system. Utilizing variant allele frequency, disease prevalence and penetrance estimates, and inheritance mode, an automated score was calculated to assess if this variant is too frequent to cause the disease. Based on the score and internal cut-off values, a variant classified as benign is not then subjected to further curation. The score for this variant resulted in a classification of benign for this disease.